The following is an entry in ClinVar:

ClinVar aggregate classification (germline): Uncertain significance. Review status: criteria provided, multiple submitters, no conflicts (2 of 4 stars). 2 submissions from 2 submitters: Uncertain significance (2). Last evaluated 2024-12-20.

Conditions:
Hereditary cancer-predisposing syndrome. Also called: Tumor predisposition; Neoplastic Syndromes, Hereditary; Hereditary Cancer Syndrome; Hereditary neoplastic syndrome. Identifiers: Orphanet 140162, MedGen C0027672, MeSH D009386, MONDO:0015356.

gnomAD v4.1: 1 of 1,613,372 alleles (0.000062%); highest among the groups gnomAD compares: South Asian, 0.0011%; no homozygotes.

Submissions (2):

Quest Diagnostics Nichols Institute San Juan Capistrano
Classification: Uncertain significance. Last evaluated: 2024-12-20. Review status: criteria provided, single submitter. Criteria: Quest Diagnostics criteria. Collection method: clinical testing. Allele origin: unknown.
Comment: The BMPR1A c.91C>T (p.His31Tyr) variant has not been reported in individuals with BMPR1A-related conditions in the published literature. It also has not been reported in large, multi-ethnic general populations (Genome Aggregation Database). Analysis of this variant using bioinformatics tools for the prediction of the effect of amino acid changes on protein structure and function yielded predictions that this variant is benign. Based on the available information, we are unable to determine the clinical significance of this variant.

Ambry Genetics
Classification: Uncertain significance for Hereditary cancer-predisposing syndrome. Last evaluated: 2024-11-30. Review status: criteria provided, single submitter. Criteria: Ambry Variant Classification Scheme 2023. Collection method: clinical testing. Allele origin: germline.
Comment: The p.H31Y variant (also known as c.91C>T), located in coding exon 2 of the BMPR1A gene, results from a C to T substitution at nucleotide position 91. The histidine at codon 31 is replaced by tyrosine, an amino acid with similar properties. This amino acid position is conserved. In addition, the in silico prediction for this alteration is inconclusive. Based on the available evidence, the clinical significance of this variant remains unclear.

NM_004329.3(BMPR1A):c.91C>T (p.His31Tyr)

Gene: BMPR1A (bone morphogenetic protein receptor type 1A; plus strand). Cytogenetic location: 10q23.2.
Variant type: single nucleotide variant.
Coding change: c.91C>T on transcript NM_004329.3 (MANE Select); coding-DNA position 91, C replaced by T.
Protein change: p.His31Tyr; replaces histidine 31 with tyrosine.
Molecular consequence: missense variant. On other transcripts: non-coding transcript variant (3).
Genome position (GRCh38, 1-based): chr10:86,890,085, C>T. VCF-style: chr10-86890085-C-T. GRCh37 (hg19) VCF-style: chr10-88649842-C-T.
Other names: c.91C>T, p.His31Tyr (NM_001406559.1, NM_001406560.1, NM_001406561.1 and 23 more transcripts); c.7C>T, p.His3Tyr (NM_001406584.1, NM_001406585.1, NM_001406586.1 and 2 more transcripts); short protein forms H31Y, H3Y.
Identifiers: ClinVar variation 3481213 (VCV003481213.2).